The following is an entry in ClinVar:

ClinVar aggregate classification (germline): Uncertain significance. Review status: criteria provided, multiple submitters, no conflicts (2 of 4 stars). 2 submissions from 2 submitters: Uncertain significance (2). Last evaluated 2025-12-03.

Allele frequency attached by ClinVar (database versions not stated): gnomAD exomes below 0.00001 and 0.00001; ExAC 0.00001; gnomAD 0.00001.
gnomAD v4.1: 2 of 1,595,352 alleles (0.00013%); highest among the groups gnomAD compares: African/African-American, 0.0014%; no homozygotes.

Submissions (2):

Ambry Genetics
Classification: Uncertain significance. Last evaluated: 2025-12-03. Review status: criteria provided, single submitter. Criteria: Ambry Variant Classification Scheme 2023. Collection method: clinical testing. Allele origin: germline.
Comment: The p.L10P variant (also known as c.29T>C), located in coding exon 1 of the FAM175A gene, results from a T to C substitution at nucleotide position 29. The leucine at codon 10 is replaced by proline, an amino acid with similar properties. This amino acid position is conserved. In addition, the in silico prediction for this alteration is inconclusive. Since supporting evidence is limited at this time, the clinical significance of this alteration remains unclear.

Labcorp Genetics (formerly Invitae), Labcorp
Classification: Uncertain significance. Last evaluated: 2023-06-27. Review status: criteria provided, single submitter. Criteria: Invitae Variant Classification Sherloc (09022015). Collection method: clinical testing. Allele origin: germline.
Comment: Advanced modeling of protein sequence and biophysical properties (such as structural, functional, and spatial information, amino acid conservation, physicochemical variation, residue mobility, and thermodynamic stability) has been performed at Invitae for this missense variant, however the output from this modeling did not meet the statistical confidence thresholds required to predict the impact of this variant on ABRAXAS1 protein function. ClinVar contains an entry for this variant (Variation ID: 1503741). This variant has not been reported in the literature in individuals affected with ABRAXAS1-related conditions. The frequency data for this variant in the population databases is considered unreliable, as metrics indicate poor data quality at this position in the gnomAD database. This sequence change replaces leucine, which is neutral and non-polar, with proline, which is neutral and non-polar, at codon 10 of the ABRAXAS1 protein (p.Leu10Pro). In summary, the available evidence is currently insufficient to determine the role of this variant in disease. Therefore, it has been classified as a Variant of Uncertain Significance.

NM_139076.3(ABRAXAS1):c.29T>C (p.Leu10Pro)

Genes: ABRAXAS1 (abraxas 1, BRCA1 A complex subunit; minus strand), LOC129992784 (ATAC-STARR-seq lymphoblastoid silent region 15542; plus strand). Cytogenetic location: 4q21.23.
Variant type: single nucleotide variant.
Coding change: c.29T>C on transcript NM_139076.3 (MANE Select); coding-DNA position 29, T replaced by C.
Protein change: p.Leu10Pro; replaces leucine 10 with proline.
Molecular consequence: missense variant. On other transcripts: 5 prime UTR variant (1).
Genome position (GRCh38, 1-based): chr4:83,485,044, A>G on the plus strand (T>C on the coding strand, the complement: ABRAXAS1 is on the minus strand). VCF-style: chr4-83485044-A-G. GRCh37 (hg19) VCF-style: chr4-84406197-A-G.
Other names: c.29T>C (NM_139076.2); c.-232T>C (NM_001345962.2); short protein forms L10P.
Identifiers: ClinVar variation 1503741 (VCV001503741.11), dbSNP rs776746789, ClinGen allele CA2990684.